The following is an entry in ClinVar:

NM_000426.4(LAMA2):c.4242_4243insTGTTGGTTG (p.Leu1414_Gly1415insCysTrpLeu)

Gene: LAMA2 (laminin subunit alpha 2; plus strand). Cytogenetic location: 6q22.33.
Variant type: Microsatellite.
Coding change: c.4242_4243insTGTTGGTTG on transcript NM_000426.4 (MANE Select); coding-DNA positions 4242 to 4243, TGTTGGTTG inserted.
Protein change: p.Leu1414_Gly1415insCysTrpLeu.
Molecular consequence: inframe insertion.
Genome position: GRCh38 VCF-style: chr6-129328341-C-CTGTGTTGGT. GRCh37 (hg19) VCF-style: chr6-129649486-C-CTGTGTTGGT.
Other names: c.4242_4243insTGTTGGTTG, p.Leu1414_Gly1415insCysTrpLeu (NM_001079823.2).
Identifiers: ClinVar variation 5003976 (VCV005003976.1).

ClinVar aggregate classification (germline): Uncertain significance (1 of 4 stars; one submission).

Conditions:
LAMA2-related muscular dystrophy (LAMA2-RD). Also called: Laminin alpha 2-related dystrophy. Identifiers: MedGen C5679788, MONDO:0100228.

Submission:

Myriad Genetics, Inc.
Classification: Uncertain significance for LAMA2-related muscular dystrophy. Last evaluated: 2025-07-29. Review status: criteria provided, single submitter. Criteria: Myriad Autosomal Dominant, Autosomal Recessive and X-Linked Classification Criteria (2023). Collection method: clinical testing. Allele origin: unknown.
Comment: NM_000426.3(LAMA2):c.4242_4243ins9(L1414_G1415insCWL) is an in-frame insertion classified as a variant of uncertain significance in the context of muscular dystrophy, LAMA2-related. L1414_G1415insCWL has not been observed in cases with relevant disease. Relevant functional assessments of this variant are not available in the literature. L1414_G1415insCWL has not been observed in referenced population frequency databases. In summary, there is insufficient evidence to classify NM_000426.3(LAMA2):c.4242_4243ins9(L1414_G1415insCWL) as pathogenic or benign. Please note: this variant was assessed in the context of healthy population screening.